The following is an entry in ClinVar:

Conditions:
Breast-ovarian cancer, familial, susceptibility to, 1 (BROVCA1). Also called: BRCA1 Hereditary Breast and Ovarian Cancer; OVARIAN CANCER, SUSCEPTIBILITY TO. Identifiers: Orphanet 145, MedGen C2676676, MONDO:0011450, OMIM 604370. Disease mechanism: loss of function.

Submission:

Brotman Baty Institute, University of Washington
No classification provided (evidence only). Condition: Breast-ovarian cancer, familial 1. Review status: no classification provided. Collection method: in vitro. Allele origin: not applicable. Functional consequence: functionally_normal.
ClinVar note: "not provided" was previously submitted as the classification for the variant. However, the classification appeared to be based only on an observation of functional data so it was converted to no classification on 2025-07-30.

NM_007294.4(BRCA1):c.134+6T>G

Gene: BRCA1 (BRCA1 DNA repair associated; minus strand). Cytogenetic location: 17q21.31.
Variant type: single nucleotide variant.
Coding change: c.134+6T>G on transcript NM_007294.4 (MANE Select); 6 bases into the intron after coding-DNA position 134, T replaced by G.
Molecular consequence: intron variant.
Genome position (GRCh38, 1-based): chr17:43,115,720, A>C on the plus strand (T>G on the coding strand, the complement: BRCA1 is on the minus strand). VCF-style: chr17-43115720-A-C. GRCh37 (hg19) VCF-style: chr17-41267737-A-C.
Other names: c.-8+6T>G (NM_001408458.1, NM_001408470.1, NM_001407848.1 and 47 more transcripts); c.-219+9557T>G (NM_001407967.1); c.-170+9557T>G (NM_001407959.1); c.-7-9187T>G (NM_001407931.1, NM_001407747.1, NM_001408511.1 and 2 more transcripts); c.-170+6T>G (NM_001407962.1, NM_001408512.1, NM_001408510.1 and 1 more transcripts); c.-55+6T>G (NM_001407885.1, NM_001407886.1, NM_001408509.1 and 52 more transcripts); c.-124+6T>G (NM_001407746.1, NM_001408468.1, NM_001407842.1 and 13 more transcripts); c.-8+8297T>G (NM_001408461.1, NM_001407738.1, NM_001407932.1 and 23 more transcripts); and 10 more.
Identifiers: ClinVar variation 868176 (VCV000868176.3), dbSNP rs2055241613, ClinGen allele CA916080999.